The following is an entry in ClinVar:

NM_015047.3(EMC1):c.2536G>A (p.Ala846Thr)

Genes: EMC1 (ER membrane protein complex subunit 1; minus strand), EMC1-AS1 (EMC1 antisense RNA 1; plus strand). Cytogenetic location: 1p36.13.
Variant type: single nucleotide variant.
Coding change: c.2536G>A on transcript NM_015047.3 (MANE Select); coding-DNA position 2536, G replaced by A.
Protein change: p.Ala846Thr; replaces alanine 846 with threonine.
Molecular consequence: missense variant.
Genome position (GRCh38, 1-based): chr1:19,222,675, C>T on the plus strand (G>A on the coding strand, the complement: EMC1 is on the minus strand). VCF-style: chr1-19222675-C-T. GRCh37 (hg19) VCF-style: chr1-19549169-C-T.
Other names: c.2533G>A, p.Ala845Thr (NM_001271427.2, NM_001271428.2); c.2470G>A, p.Ala824Thr (NM_001271429.2); c.2545G>A, p.Ala849Thr (NM_001375820.1); c.2542G>A, p.Ala848Thr (NM_001375821.1); short protein forms A849T, A824T, A845T, A848T, A846T.
Identifiers: ClinVar variation 1367733 (VCV001367733.6), dbSNP rs943197848, ClinGen allele CA18810226.

ClinVar aggregate classification (germline): Uncertain significance (1 of 4 stars; one submission).

Allele frequency attached by ClinVar (database versions not stated): TOPMed 0.00001; gnomAD 0.00001; gnomAD exomes 0.00001.

Submission:

Labcorp Genetics (formerly Invitae), Labcorp
Classification: Uncertain significance. Last evaluated: 2023-08-17. Review status: criteria provided, single submitter. Criteria: Invitae Variant Classification Sherloc (09022015). Collection method: clinical testing. Allele origin: germline.
Comment: This variant is present in population databases (no rsID available, gnomAD 0.0009%). This sequence change replaces alanine, which is neutral and non-polar, with threonine, which is neutral and polar, at codon 846 of the EMC1 protein (p.Ala846Thr). This variant has not been reported in the literature in individuals affected with EMC1-related conditions. ClinVar contains an entry for this variant (Variation ID: 1367733). Advanced modeling of protein sequence and biophysical properties (such as structural, functional, and spatial information, amino acid conservation, physicochemical variation, residue mobility, and thermodynamic stability) performed at Invitae indicates that this missense variant is not expected to disrupt EMC1 protein function. In summary, the available evidence is currently insufficient to determine the role of this variant in disease. Therefore, it has been classified as a Variant of Uncertain Significance.